The following is an entry in ClinVar:

ClinVar aggregate classification (germline): Likely benign. Review status: criteria provided, multiple submitters, no conflicts (2 of 4 stars). 3 submissions from 3 submitters: Likely benign (3). Last evaluated 2026-07-02.

Conditions:
KIF11-related disorder. Also called: KIF11-related condition.

Allele frequency attached by ClinVar (database versions not stated): gnomAD exomes 0.00002; TOPMed 0.00002; ExAC 0.00003; gnomAD 0.00007.
gnomAD v4.1: 38 of 1,607,598 alleles (0.0024%); highest among the groups gnomAD compares: Middle Eastern, 0.033%; no homozygotes.

Submissions (3):

PreventionGenetics, part of Exact Sciences
Classification: Likely benign for KIF11-related condition. Last evaluated: 2026-07-02. Review status: criteria provided, single submitter. Criteria: ACMG Guidelines, 2015. Collection method: clinical testing. Allele origin: germline.
Comment: This variant is classified as likely benign based on ACMG/AMP sequence variant interpretation guidelines (Richards et al. 2015 PMID: 25741868, with internal and published modifications).

Labcorp Genetics (formerly Invitae), Labcorp
Classification: Likely benign. Last evaluated: 2022-07-19. Review status: criteria provided, single submitter. Criteria: Invitae Variant Classification Sherloc (09022015). Collection method: clinical testing. Allele origin: germline.

Blueprint Genetics
Classification: Likely benign. Last evaluated: 2021-04-16. Review status: criteria provided, single submitter. Criteria: ACMG Guidelines, 2015. Collection method: clinical testing. Allele origin: germline.

NM_004523.4(KIF11):c.1137G>A (p.Thr379=)

Gene: KIF11 (kinesin family member 11; plus strand). Cytogenetic location: 10q23.33.
Variant type: single nucleotide variant.
Coding change: c.1137G>A on transcript NM_004523.4 (MANE Select); coding-DNA position 1137, G replaced by A.
Protein change: p.Thr379=; no amino-acid change (threonine 379 retained).
Molecular consequence: synonymous variant.
Genome position (GRCh38, 1-based): chr10:92,621,393, G>A. VCF-style: chr10-92621393-G-A. GRCh37 (hg19) VCF-style: chr10-94381150-G-A.
Other names: c.1137G>A (NM_004523.3).
Identifiers: ClinVar variation 1911767 (VCV001911767.7), dbSNP rs769016208, ClinGen allele CA5604135.